The following is an entry in ClinVar:

ClinVar aggregate classification (germline): Conflicting classifications of pathogenicity. Review status: criteria provided, conflicting classifications (1 of 4 stars). 2 submissions from 2 submitters: Likely pathogenic (1); Uncertain significance (1). Last evaluated 2024-05-04.

Conditions:
Autosomal recessive Alport syndrome (ATS2). Also called: COL4A3-Related Nephropathy; COL4A4 Alport Syndrome and Thin Basement Membrane Nephropathy; ALPORT SYNDROME 2, AUTOSOMAL RECESSIVE; Alport syndrome type 2. Identifiers: Orphanet 63, Orphanet 88919, MedGen C4746745, MONDO:0008762, OMIM 203780.
Hematuria, benign familial, 1 (BFH1). Also called: THIN MEMBRANE NEPHROPATHY. Identifiers: MedGen CN376803, MONDO:0007709, OMIM 141200.

Submissions (2):

Fulgent Genetics
Classification: Likely pathogenic for Hematuria, benign familial, 1; Autosomal recessive Alport syndrome. Last evaluated: 2024-05-04. Review status: criteria provided, single submitter. Criteria: ACMG Guidelines, 2015. Collection method: clinical testing. Allele origin: germline.

Women's Health and Genetics/Laboratory Corporation of America, LabCorp
Classification: Uncertain significance. Last evaluated: 2024-04-25. Review status: criteria provided, single submitter. Criteria: LabCorp Variant Classification Summary - May 2015. Collection method: clinical testing. Allele origin: germline.
Comment: Variant summary: COL4A4 c.4271G>A (p.Gly1424Glu) results in a non-conservative amino acid change in the encoded protein sequence. Five of five in-silico tools predict a damaging effect of the variant on protein function. The variant was absent in 249460 control chromosomes. The available data on variant occurrences in the general population are insufficient to allow any conclusion about variant significance. To our knowledge, no occurrence of c.4271G>A in individuals affected with Alport Syndrome, Autosomal Recessive and no experimental evidence demonstrating its impact on protein function have been reported. No submitters have cited clinical-significance assessments for this variant to ClinVar. Based on the evidence outlined above, the variant was classified as uncertain significance.

NM_000092.5(COL4A4):c.4271G>A (p.Gly1424Glu)

Gene: COL4A4 (collagen type IV alpha 4 chain; minus strand). Cytogenetic location: 2q36.3.
Variant type: single nucleotide variant.
Coding change: c.4271G>A on transcript NM_000092.5 (MANE Select); coding-DNA position 4271, G replaced by A.
Protein change: p.Gly1424Glu; replaces glycine 1424 with glutamic acid.
Molecular consequence: missense variant.
Genome position (GRCh38, 1-based): chr2:227,012,243, C>T on the plus strand (G>A on the coding strand, the complement: COL4A4 is on the minus strand). VCF-style: chr2-227012243-C-T. GRCh37 (hg19) VCF-style: chr2-227876959-C-T.
Other names: short protein forms G1424E.
Identifiers: ClinVar variation 3251680 (VCV003251680.2), dbSNP rs2472735687.